The following is an entry in ClinVar:

ClinVar aggregate classification (germline): Uncertain significance (1 of 4 stars; one submission).

Submission:

Labcorp Genetics (formerly Invitae), Labcorp
Classification: Uncertain significance. Last evaluated: 2021-07-06. Review status: criteria provided, single submitter. Criteria: Invitae Variant Classification Sherloc (09022015). Collection method: clinical testing. Allele origin: germline.
Comment: This sequence change replaces asparagine with lysine at codon 321 of the MSH3 protein (p.Asn321Lys). The asparagine residue is moderately conserved and there is a moderate physicochemical difference between asparagine and lysine. This variant is not present in population databases (ExAC no frequency). This variant has not been reported in the literature in individuals affected with MSH3-related conditions. Algorithms developed to predict the effect of missense changes on protein structure and function (SIFT, PolyPhen-2, Align-GVGD) all suggest that this variant is likely to be disruptive. In summary, the available evidence is currently insufficient to determine the role of this variant in disease. Therefore, it has been classified as a Variant of Uncertain Significance.

NM_002439.5(MSH3):c.963C>G (p.Asn321Lys)

Genes: MSH3 (mutS homolog 3; plus strand), LOC126807437 (MED14-independent group 3 enhancer GRCh37_chr5:79968379-79969578; plus strand). Cytogenetic location: 5q14.1.
Variant type: single nucleotide variant.
Coding change: c.963C>G on transcript NM_002439.5 (MANE Select); coding-DNA position 963, C replaced by G.
Protein change: p.Asn321Lys; replaces asparagine 321 with lysine.
Molecular consequence: missense variant.
Genome position (GRCh38, 1-based): chr5:80,672,794, C>G. VCF-style: chr5-80672794-C-G. GRCh37 (hg19) VCF-style: chr5-79968613-C-G.
Other names: short protein forms N321K.
Identifiers: ClinVar variation 1462952 (VCV001462952.8), dbSNP rs929659061, ClinGen allele CA360267431.
Genomic context (GRCh38, chr5:80,672,794, plus strand): 5'-GTTGAAGGTGGGAGTTGTGAAGCAAACTGAAACTGCAGCATTAAAGGCCATTGGAGACAA[C>G]AGAAGTTCACTCTTTTCCCGGAAATTGACTGCCCTTTATACAAAATCTACACTTATTGGA-3'
Protein context (NP_002430.3, residues 311-331): ETAALKAIGD[Asn321Lys]RSSLFSRKLT